The following is an entry in ClinVar:

NM_014908.4(DOLK):c.771C>G (p.Ile257Met)

Gene: DOLK (dolichol kinase; minus strand). Cytogenetic location: 9q34.11.
Variant type: single nucleotide variant.
Coding change: c.771C>G on transcript NM_014908.4 (MANE Select); coding-DNA position 771, C replaced by G.
Protein change: p.Ile257Met; replaces isoleucine 257 with methionine.
Molecular consequence: missense variant.
Genome position (GRCh38, 1-based): chr9:128,946,533, G>C on the plus strand (C>G on the coding strand, the complement: DOLK is on the minus strand). VCF-style: chr9-128946533-G-C. GRCh37 (hg19) VCF-style: chr9-131708812-G-C.
Other names: short protein forms I257M.
Identifiers: ClinVar variation 1483205 (VCV001483205.5), dbSNP rs147416890, ClinGen allele CA5271693.

ClinVar aggregate classification (germline): Uncertain significance (1 of 4 stars; one submission).

Conditions:
DK1-congenital disorder of glycosylation. Also called: DK1-CDG; DOLK-congenital disorder of glycosylation; Carbohydrate deficient glycoprotein syndrome type 1m; DK1 DEFICIENCY; CONGENITAL DISORDER OF GLYCOSYLATION, TYPE Im; DOLICHOL KINASE DEFICIENCY. Identifiers: Orphanet 91131, MedGen C1835849, MONDO:0012556, OMIM 610768.

gnomAD v4.1: 2 of 1,614,046 alleles (0.00012%); highest among the groups gnomAD compares: Non-Finnish European, 0.00017%; no homozygotes.

Submission:

Labcorp Genetics (formerly Invitae), Labcorp
Classification: Uncertain significance for DK1-congenital disorder of glycosylation. Last evaluated: 2021-09-02. Review status: criteria provided, single submitter. Criteria: Invitae Variant Classification Sherloc (09022015). Collection method: clinical testing. Allele origin: germline.
Comment: This sequence change replaces isoleucine with methionine at codon 257 of the DOLK protein (p.Ile257Met). The isoleucine residue is weakly conserved and there is a small physicochemical difference between isoleucine and methionine. This variant is present in population databases (rs147416890, ExAC 0.001%). This variant has not been reported in the literature in individuals affected with DOLK-related conditions. Algorithms developed to predict the effect of missense changes on protein structure and function (SIFT, PolyPhen-2, Align-GVGD) all suggest that this variant is likely to be tolerated. In summary, the available evidence is currently insufficient to determine the role of this variant in disease. Therefore, it has been classified as a Variant of Uncertain Significance.